The following is an entry in ClinVar:

NM_001142800.2(EYS):c.7816G>T (p.Val2606Phe)

Gene: EYS (eyes shut homolog; minus strand). Cytogenetic location: 6q12.
Variant type: single nucleotide variant.
Coding change: c.7816G>T on transcript NM_001142800.2 (MANE Select); coding-DNA position 7816, G replaced by T.
Protein change: p.Val2606Phe; replaces valine 2606 with phenylalanine.
Molecular consequence: missense variant.
Genome position (GRCh38, 1-based): chr6:63,778,088, C>A on the plus strand (G>T on the coding strand, the complement: EYS is on the minus strand). VCF-style: chr6-63778088-C-A. GRCh37 (hg19) VCF-style: chr6-64487981-C-A.
Other names: c.7816G>T, p.Val2606Phe (NM_001292009.2); short protein forms V2606F.
Identifiers: ClinVar variation 1463141 (VCV001463141.5), dbSNP rs1770111408, ClinGen allele CA364390581.

ClinVar aggregate classification (germline): Uncertain significance (1 of 4 stars; one submission).

Allele frequency attached by ClinVar (database versions not stated): gnomAD 0.00002; TOPMed below 0.00001.
gnomAD v4.1: 3 of 1,551,640 alleles (0.00019%); highest among the groups gnomAD compares: African/African-American, 0.0041%; no homozygotes.

Submission:

Labcorp Genetics (formerly Invitae), Labcorp
Classification: Uncertain significance. Last evaluated: 2022-03-09. Review status: criteria provided, single submitter. Criteria: Invitae Variant Classification Sherloc (09022015). Collection method: clinical testing. Allele origin: germline.
Comment: This sequence change replaces valine, which is neutral and non-polar, with phenylalanine, which is neutral and non-polar, at codon 2606 of the EYS protein (p.Val2606Phe). This variant is not present in population databases (gnomAD no frequency). This variant has not been reported in the literature in individuals affected with EYS-related conditions. Algorithms developed to predict the effect of missense changes on protein structure and function are either unavailable or do not agree on the potential impact of this missense change (SIFT: "Deleterious"; PolyPhen-2: "Probably Damaging"; Align-GVGD: "Class C0"). In summary, the available evidence is currently insufficient to determine the role of this variant in disease. Therefore, it has been classified as a Variant of Uncertain Significance.